The following is an entry in ClinVar:

ClinVar aggregate classification (germline): Uncertain significance. Review status: criteria provided, multiple submitters, no conflicts (2 of 4 stars). 2 submissions from 2 submitters: Uncertain significance (2). Last evaluated 2025-04-05.

Conditions:
Cardiovascular phenotype. Identifiers: MedGen CN230736.
Primary familial hypertrophic cardiomyopathy (HCM). Identifiers: Orphanet 99739, MedGen C0949658, MeSH D024741, MONDO:0024573. Inheritance: Various modes of inheritance.
Dilated cardiomyopathy 1AA (CMD1AA). Also called: Cardiomyopathy, dilated, 1AA, with or without LVNC; CARDIOMYOPATHY, DILATED, 1AA, WITH OR WITHOUT LEFT VENTRICULAR NONCOMPACTION; CARDIOMYOPATHY, FAMILIAL HYPERTROPHIC, 23, WITH OR WITHOUT LEFT VENTRICULAR NONCOMPACTION. Identifiers: Orphanet 154, MedGen C2677338, MONDO:0012808, OMIM 612158.

gnomAD v4.1: 3 of 1,614,128 alleles (0.00019%); highest among the groups gnomAD compares: Non-Finnish European, 0.00025%; no homozygotes.

Submissions (2):

Ambry Genetics
Classification: Uncertain significance for Cardiovascular phenotype. Last evaluated: 2025-04-05. Review status: criteria provided, single submitter. Criteria: Ambry Variant Classification Scheme 2023. Collection method: clinical testing. Allele origin: germline.
Comment: The p.G81E variant (also known as c.242G>A) is located in coding exon 3 of the ACTN2 gene. The glycine at codon 81 is replaced by glutamic acid, an amino acid with similar properties. This change occurs in the first base pair of coding exon 3. This amino acid position is conserved. In addition, this alteration is predicted to be deleterious by in silico analysis. Since supporting evidence is limited at this time, the clinical significance of this alteration remains unclear.

Labcorp Genetics (formerly Invitae), Labcorp
Classification: Uncertain significance for Primary familial hypertrophic cardiomyopathy; Dilated cardiomyopathy 1AA. Last evaluated: 2019-10-02. Review status: criteria provided, single submitter. Criteria: Invitae Variant Classification Sherloc (09022015). Collection method: clinical testing. Allele origin: germline.
Comment: Algorithms developed to predict the effect of missense changes on protein structure and function (SIFT, PolyPhen-2, Align-GVGD) all suggest that this variant is likely to be disruptive, but these predictions have not been confirmed by published functional studies and their clinical significance is uncertain. In summary, the available evidence is currently insufficient to determine the role of this variant in disease. Therefore, it has been classified as a Variant of Uncertain Significance. This variant has not been reported in the literature in individuals with ACTN2-related conditions. This variant is not present in population databases (ExAC no frequency). This sequence change replaces glycine with glutamic acid at codon 81 of the ACTN2 protein (p.Gly81Glu). The glycine residue is highly conserved and there is a moderate physicochemical difference between glycine and glutamic acid.

NM_001103.4(ACTN2):c.242G>A (p.Gly81Glu)

Gene: ACTN2 (actinin alpha 2; plus strand). Cytogenetic location: 1q43.
Variant type: single nucleotide variant.
Coding change: c.242G>A on transcript NM_001103.4 (MANE Select); coding-DNA position 242, G replaced by A.
Protein change: p.Gly81Glu; replaces glycine 81 with glutamic acid.
Molecular consequence: missense variant. On other transcripts: 5 prime UTR variant (1).
Genome position (GRCh38, 1-based): chr1:236,718,894, G>A. VCF-style: chr1-236718894-G-A. GRCh37 (hg19) VCF-style: chr1-236882194-G-A.
Other names: c.242G>A, p.Gly81Glu (NM_001278343.2); c.-580G>A (NM_001278344.2); c.242G>A (NM_001103.2); short protein forms G81E.
Identifiers: ClinVar variation 965607 (VCV000965607.12), dbSNP rs1658299884, ClinGen allele CA345373448.